The following is an entry in ClinVar:

NM_018089.3(ANKZF1):c.1729G>C (p.Asp577His)

Gene: ANKZF1 (ankyrin repeat and zinc finger peptidyl tRNA hydrolase 1; plus strand). Cytogenetic location: 2q35.
Variant type: single nucleotide variant.
Coding change: c.1729G>C on transcript NM_018089.3 (MANE Select); coding-DNA position 1729, G replaced by C.
Protein change: p.Asp577His; replaces aspartic acid 577 with histidine.
Molecular consequence: missense variant.
Genome position (GRCh38, 1-based): chr2:219,235,511, G>C. VCF-style: chr2-219235511-G-C. GRCh37 (hg19) VCF-style: chr2-220100233-G-C.
Other names: c.1729G>C, p.Asp577His (NM_001042410.2); c.1099G>C, p.Asp367His (NM_001282792.2); short protein forms D367H, D577H.
Identifiers: ClinVar variation 2057400 (VCV002057400.4), dbSNP rs760459753, ClinGen allele CA350684006.

ClinVar aggregate classification (germline): Uncertain significance (1 of 4 stars; one submission).

Submission:

Labcorp Genetics (formerly Invitae), Labcorp
Classification: Uncertain significance. Last evaluated: 2022-06-04. Review status: criteria provided, single submitter. Criteria: Invitae Variant Classification Sherloc (09022015). Collection method: clinical testing. Allele origin: germline.
Comment: In summary, the available evidence is currently insufficient to determine the role of this variant in disease. Therefore, it has been classified as a Variant of Uncertain Significance. Algorithms developed to predict the effect of missense changes on protein structure and function are either unavailable or do not agree on the potential impact of this missense change (SIFT: "Deleterious"; PolyPhen-2: "Probably Damaging"; Align-GVGD: "Class C0"). This variant has not been reported in the literature in individuals affected with ANKZF1-related conditions. This variant is not present in population databases (gnomAD no frequency). This sequence change replaces aspartic acid, which is acidic and polar, with histidine, which is basic and polar, at codon 577 of the ANKZF1 protein (p.Asp577His).